The following is an entry in ClinVar:

NM_005188.4(CBL):c.1A>G (p.Met1Val)

Genes: CBL (Cbl proto-oncogene; plus strand), LOC130006895 (ATAC-STARR-seq lymphoblastoid silent region 3975; plus strand). Cytogenetic location: 11q23.3.
Variant type: single nucleotide variant.
Coding change: c.1A>G on transcript NM_005188.4 (MANE Select); coding-DNA position 1, A replaced by G.
Protein change: p.Met1Val; changes the start codon (methionine 1).
Molecular consequence: missense variant, initiator codon variant.
Genome position (GRCh38, 1-based): chr11:119,206,418, A>G. VCF-style: chr11-119206418-A-G. GRCh37 (hg19) VCF-style: chr11-119077128-A-G.
Other names: short protein forms M1V.
Identifiers: ClinVar variation 1978970 (VCV001978970.5), dbSNP rs909098732, ClinGen allele CA382975506.

ClinVar aggregate classification (germline): Uncertain significance (1 of 4 stars; one submission).

Conditions:
RASopathy. Also called: rasopathies; Noonan spectrum disorder. Identifiers: Orphanet 536391, MedGen C5555857, MONDO:0021060.

Submission:

Labcorp Genetics (formerly Invitae), Labcorp
Classification: Uncertain significance for RASopathy. Last evaluated: 2025-11-09. Review status: criteria provided, single submitter. Criteria: Invitae Variant Classification Sherloc (09022015). Collection method: clinical testing. Allele origin: germline.
Comment: This sequence change affects the initiator codon of the CBL mRNA. This change may impact translation initiation or efficiency. The next in-frame methionine is located at codon 29. This variant is not present in population databases (gnomAD no frequency). This variant has not been reported in the literature in individuals affected with CBL-related conditions. ClinVar contains an entry for this variant (Variation ID: 1978970). Experimental studies and prediction algorithms are not available or were not evaluated, and the functional significance of this variant is currently unknown. In summary, the available evidence is currently insufficient to determine the role of this variant in disease. Therefore, it has been classified as a Variant of Uncertain Significance.